The following is an entry in ClinVar:

NM_177972.3(TUB):c.891C>T (p.Phe297=)

Genes: RIC3 (RIC3 acetylcholine receptor chaperone; minus strand), TUB (TUB bipartite transcription factor; plus strand). Cytogenetic location: 11p15.4.
Variant type: single nucleotide variant.
Coding change: c.891C>T on transcript NM_177972.3 (MANE Select); coding-DNA position 891, C replaced by T.
Protein change: p.Phe297=; no amino-acid change (phenylalanine 297 retained).
Molecular consequence: synonymous variant.
Genome position (GRCh38, 1-based): chr11:8,097,719, C>T. VCF-style: chr11-8097719-C-T. GRCh37 (hg19) VCF-style: chr11-8119266-C-T.
Other names: c.1056C>T, p.Phe352= (NM_003320.5).
Identifiers: ClinVar variation 3353695 (VCV003353695.1).

ClinVar aggregate classification (germline): Likely benign (0 of 4 stars; one submission).

Conditions:
TUB-related disorder. Also called: TUB-related condition.

gnomAD v4.1: 1 of 1,612,798 alleles (0.000062%); highest among the groups gnomAD compares: Non-Finnish European, 0.000085%; no homozygotes.

Submission:

PreventionGenetics, part of Exact Sciences
Classification: Likely benign for TUB-related condition. Last evaluated: 2022-05-04. Review status: no assertion criteria provided. Collection method: clinical testing. Allele origin: germline.
Comment: This variant is classified as likely benign based on ACMG/AMP sequence variant interpretation guidelines (Richards et al. 2015 PMID: 25741868, with internal and published modifications).